The following is an entry in ClinVar:

ClinVar aggregate classification (germline): Uncertain significance (1 of 4 stars; one submission).

Conditions:
Creatine transporter deficiency (CCDS1). Also called: CEREBRAL CREATINE DEFICIENCY SYNDROME 1; Mental retardation , X-linked with seizures, short stature and midface hypoplasia; Mental retardation , X-linked, with creatine transport deficiency; X-linked creatine transporter deficiency; X-linked creatine deficiency syndrome; SLC6A8-Related Creatine Transporter Deficiency. Identifiers: Orphanet 52503, MedGen C1845862, MONDO:0010305, OMIM 300352.

Submission:

Labcorp Genetics (formerly Invitae), Labcorp
Classification: Uncertain significance for Creatine transporter deficiency. Last evaluated: 2021-04-21. Review status: criteria provided, single submitter. Criteria: Invitae Variant Classification Sherloc (09022015). Collection method: clinical testing. Allele origin: germline.
Comment: This variant has not been reported in the literature in individuals with SLC6A8-related conditions. Algorithms developed to predict the effect of sequence changes on RNA splicing suggest that this variant may create or strengthen a splice site, but this prediction has not been confirmed by published transcriptional studies. In summary, the available evidence is currently insufficient to determine the role of this variant in disease. Therefore, it has been classified as a Variant of Uncertain Significance. This variant is not present in population databases (ExAC no frequency). This sequence change affects codon 288 of the SLC6A8 mRNA. It is a 'silent' change, meaning that it does not change the encoded amino acid sequence of the SLC6A8 protein.

NM_005629.4(SLC6A8):c.864C>T (p.Gly288=)

Gene: SLC6A8 (solute carrier family 6 member 8; plus strand). Cytogenetic location: Xq28.
Variant type: single nucleotide variant.
Coding change: c.864C>T on transcript NM_005629.4 (MANE Select); coding-DNA position 864, C replaced by T.
Protein change: p.Gly288=; no amino-acid change (glycine 288 retained).
Molecular consequence: synonymous variant.
Genome position (GRCh38, 1-based): chrX:153,693,127, C>T. VCF-style: chrX-153693127-C-T. GRCh37 (hg19) VCF-style: chrX-152958582-C-T.
Other names: c.864C>T, p.Gly288= (NM_001142805.2); c.519C>T, p.Gly173= (NM_001142806.1).
Identifiers: ClinVar variation 1433897 (VCV001433897.8), dbSNP rs2148362802, ClinGen allele CA415083961.